The following is an entry in ClinVar:

NM_021830.5(TWNK):c.1863C>G (p.Phe621Leu)

Gene: TWNK (twinkle mtDNA helicase; plus strand). Cytogenetic location: 10q24.31.
Variant type: single nucleotide variant.
Coding change: c.1863C>G on transcript NM_021830.5 (MANE Select); coding-DNA position 1863, C replaced by G.
Protein change: p.Phe621Leu; replaces phenylalanine 621 with leucine.
Molecular consequence: missense variant. On other transcripts: 3 prime UTR variant (2), non-coding transcript variant (5).
Genome position (GRCh38, 1-based): chr10:100,993,318, C>G. VCF-style: chr10-100993318-C-G. GRCh37 (hg19) VCF-style: chr10-102753075-C-G.
Other names: c.*158C>G (NM_001163812.2, NM_001163814.2); c.501C>G, p.Phe167Leu (NM_001163813.2, NM_001368275.1); short protein forms F167L, F621L.
Identifiers: ClinVar variation 3377854 (VCV003377854.1).

ClinVar aggregate classification (germline): Uncertain significance (1 of 4 stars; one submission).

gnomAD v4.1: 1 of 1,614,118 alleles (0.000062%); highest among the groups gnomAD compares: Non-Finnish European, 0.000085%; no homozygotes.

Submission:

GeneDx
Classification: Uncertain significance. Last evaluated: 2024-05-16. Review status: criteria provided, single submitter. Criteria: GeneDx Variant Classification Process June 2021. Collection method: clinical testing. Allele origin: germline. Affected: yes.
Comment: Not observed at significant frequency in large population cohorts (gnomAD); In silico analysis supports that this missense variant has a deleterious effect on protein structure/function; Has not been previously published as pathogenic or benign to our knowledge